The following is an entry in ClinVar:

ClinVar aggregate classification (germline): Uncertain significance (1 of 4 stars; one submission).

Allele frequency attached by ClinVar (database versions not stated): gnomAD exomes 0.00002 and 0.00008; ExAC 0.00010; TOPMed 0.00047; gnomAD 0.00050 and 0.00054; ESP Exome Variant Server 0.00054.
gnomAD v4.1: 110 of 1,614,178 alleles (0.0068%); highest among the groups gnomAD compares: African/African-American, 0.13%; no homozygotes.

Submission:

GeneDx
Classification: Uncertain significance. Last evaluated: 2021-06-22. Review status: criteria provided, single submitter. Criteria: GeneDx Variant Classification Process June 2021. Collection method: clinical testing. Allele origin: germline. Affected: yes.
Comment: In silico analysis supports that this missense variant does not alter protein structure/function; Has not been previously published as pathogenic or benign to our knowledge; This variant is associated with the following publications: (PMID: 27535533)

NM_001199799.2(ILDR1):c.1056G>C (p.Gln352His)

Gene: ILDR1 (immunoglobulin like domain containing receptor 1; minus strand). Cytogenetic location: 3q13.33.
Variant type: single nucleotide variant.
Coding change: c.1056G>C on transcript NM_001199799.2 (MANE Select); coding-DNA position 1056, G replaced by C.
Protein change: p.Gln352His; replaces glutamine 352 with histidine.
Molecular consequence: missense variant.
Genome position (GRCh38, 1-based): chr3:121,993,693, C>G on the plus strand (G>C on the coding strand, the complement: ILDR1 is on the minus strand). VCF-style: chr3-121993693-C-G. GRCh37 (hg19) VCF-style: chr3-121712540-C-G.
Other names: c.789G>C, p.Gln263His (NM_001199800.2); c.924G>C, p.Gln308His (NM_175924.4); short protein forms Q263H, Q308H, Q352H.
Identifiers: ClinVar variation 1191591 (VCV001191591.2), dbSNP rs147113814, ClinGen allele CA2568765.